The following is an entry in ClinVar:

NM_018010.4(IFT57):c.329A>C (p.Asp110Ala)

Gene: IFT57 (intraflagellar transport 57; minus strand). Cytogenetic location: 3q13.13.
Variant type: single nucleotide variant.
Coding change: c.329A>C on transcript NM_018010.4 (MANE Select); coding-DNA position 329, A replaced by C.
Protein change: p.Asp110Ala; replaces aspartic acid 110 with alanine.
Molecular consequence: missense variant.
Genome position (GRCh38, 1-based): chr3:108,219,456, T>G on the plus strand (A>C on the coding strand, the complement: IFT57 is on the minus strand). VCF-style: chr3-108219456-T-G. GRCh37 (hg19) VCF-style: chr3-107938303-T-G.
Other names: c.329A>C (NM_018010.3); short protein forms D110A.
Identifiers: ClinVar variation 1389527 (VCV001389527.8), dbSNP rs762496754, ClinGen allele CA2526761.
Genomic context (GRCh38, chr3:108,219,456, plus strand): 5'-TCGTTTACACTTACAAATGACCGAAGCTCGGATAGTATGTTAGATATTGTTGCATTAGGG[T>G]CATCATATTCTTGAGGCTGCTCAAAGGGACGTCCCGCTTTATTAATCAACCAAGCAGCAA-3'
Protein context (NP_060480.1, residues 100-120): RPFEQPQEYD[Asp110Ala]PNATISNILS

ClinVar aggregate classification (germline): Uncertain significance. Review status: criteria provided, multiple submitters, no conflicts (2 of 4 stars). 2 submissions from 2 submitters: Uncertain significance (2). Last evaluated 2025-04-01.

Allele frequency attached by ClinVar (database versions not stated): ExAC 0.00001; gnomAD 0.00001; gnomAD exomes 0.00001 and 0.00004; TOPMed 0.00002.
gnomAD v4.1: 65 of 1,613,640 alleles (0.004%); highest among the groups gnomAD compares: Non-Finnish European, 0.0054%; no homozygotes.

Submissions (2):

Ambry Genetics
Classification: Uncertain significance. Last evaluated: 2025-04-01. Review status: criteria provided, single submitter. Criteria: Ambry Variant Classification Scheme 2023. Collection method: clinical testing. Allele origin: germline.

Labcorp Genetics (formerly Invitae), Labcorp
Classification: Uncertain significance. Last evaluated: 2021-10-02. Review status: criteria provided, single submitter. Criteria: Invitae Variant Classification Sherloc (09022015). Collection method: clinical testing. Allele origin: germline.
Comment: This sequence change replaces aspartic acid with alanine at codon 110 of the IFT57 protein (p.Asp110Ala). The aspartic acid residue is highly conserved and there is a moderate physicochemical difference between aspartic acid and alanine. This variant is present in population databases (rs762496754, ExAC 0.001%). This variant has not been reported in the literature in individuals affected with IFT57-related conditions. Algorithms developed to predict the effect of missense changes on protein structure and function (SIFT, PolyPhen-2, Align-GVGD) all suggest that this variant is likely to be disruptive. In summary, the available evidence is currently insufficient to determine the role of this variant in disease. Therefore, it has been classified as a Variant of Uncertain Significance.